The following is an entry in ClinVar:

ClinVar aggregate classification (germline): Uncertain significance. Review status: criteria provided, multiple submitters, no conflicts (2 of 4 stars). 2 submissions from 2 submitters: Uncertain significance (2). Last evaluated 2023-08-18.

Conditions:
Spinocerebellar ataxia type 35. Identifiers: Orphanet 276193, MedGen C3888031, MONDO:0013485, OMIM 613908.

Allele frequency attached by ClinVar (database versions not stated): gnomAD exomes 0.00003; TOPMed 0.00003; ExAC 0.00004; gnomAD 0.00005.
gnomAD v4.1: 54 of 1,614,116 alleles (0.0033%); highest among the groups gnomAD compares: Middle Eastern, 0.016%; 1 homozygote.

Submissions (2):

New York Genome Center
Classification: Uncertain significance for Spinocerebellar ataxia type 35. Last evaluated: 2023-08-18. Review status: criteria provided, single submitter. Criteria: NYGC Assertion Criteria 2020. Collection method: clinical testing. Allele origin: inherited. Observed: 2 heterozygotes. Clinical features observed: Global developmental delay (HP:0001263), Delayed gross motor development (HP:0002194), Delayed fine motor development (HP:0010862), Hypotonia (HP:0001252).

Labcorp Genetics (formerly Invitae), Labcorp
Classification: Uncertain significance. Last evaluated: 2023-03-11. Review status: criteria provided, single submitter. Criteria: Invitae Variant Classification Sherloc (09022015). Collection method: clinical testing. Allele origin: germline.
Comment: In summary, the available evidence is currently insufficient to determine the role of this variant in disease. Therefore, it has been classified as a Variant of Uncertain Significance. Algorithms developed to predict the effect of sequence changes on RNA splicing suggest that this variant may disrupt the consensus splice site. This variant has not been reported in the literature in individuals affected with TGM6-related conditions. This variant is present in population databases (rs764278569, gnomAD 0.01%). This sequence change affects codon 393 of the TGM6 mRNA. It is a 'silent' change, meaning that it does not change the encoded amino acid sequence of the TGM6 protein.

NM_198994.3(TGM6):c.1179G>A (p.Ala393=)

Gene: TGM6 (transglutaminase 6; plus strand). Cytogenetic location: 20p13.
Variant type: single nucleotide variant.
Coding change: c.1179G>A on transcript NM_198994.3 (MANE Select); coding-DNA position 1179, G replaced by A.
Protein change: p.Ala393=; no amino-acid change (alanine 393 retained).
Molecular consequence: synonymous variant.
Genome position (GRCh38, 1-based): chr20:2,403,666, G>A. VCF-style: chr20-2403666-G-A. GRCh37 (hg19) VCF-style: chr20-2384312-G-A.
Other names: c.1179G>A, p.Ala393= (NM_001254734.2).
Identifiers: ClinVar variation 2665057 (VCV002665057.4), dbSNP rs764278569, ClinGen allele CA9732002.